The following is an entry in ClinVar:

NM_007348.4(ATF6):c.1533+1G>C

Gene: ATF6 (activating transcription factor 6; plus strand). Cytogenetic location: 1q23.3.
Variant type: single nucleotide variant.
Coding change: c.1533+1G>C on transcript NM_007348.4 (MANE Select); the canonical splice donor site of the intron after coding-DNA position 1533, G replaced by C.
Molecular consequence: splice donor variant.
Genome position (GRCh38, 1-based): chr1:161,853,324, G>C. VCF-style: chr1-161853324-G-C. GRCh37 (hg19) VCF-style: chr1-161823114-G-C.
Other names: IVS12, G-C, +1; c.1533+1G>C (NM_001410890.1).
Identifiers: ClinVar variation 209099 (VCV000209099.9), dbSNP rs797045172, ClinGen allele CA346964.
Genomic context (GRCh38, chr1:161,853,324, plus strand): 5'-GTAGAAAGGACCAAGTCAAGAAGAATGACAAATAATCAACAGAAAACCCGTATTCTTCAG[G>C]TATGTTTCTGTTTGTCTTTGAACAATAGTTGGCGTATTTGTTGGAAGGCTTCTCCCAGCT-3'

ClinVar aggregate classification (germline): Pathogenic. Review status: criteria provided, multiple submitters, no conflicts (2 of 4 stars). 5 submissions from 5 submitters: Pathogenic (3). 2 of the submissions do not count toward it. Last evaluated 2024-09-14.

Conditions:
ATF6-related disorder. Also called: ATF6-related condition.
Achromatopsia 7 (ACHM7). Identifiers: Orphanet 49382, MedGen C4225297, MONDO:0014677, OMIM 616517.

Allele frequency attached by ClinVar (database versions not stated): gnomAD exomes below 0.00001 and 0.00001.
gnomAD v4.1: 7 of 1,607,732 alleles (0.00044%); highest among the groups gnomAD compares: Non-Finnish European, 0.0006%; no homozygotes.

Submissions (5):

Blueprint Genetics
Classification: Pathogenic for ATF6-related disorders. Last evaluated: 2024-09-14. Review status: criteria provided, single submitter. Criteria: ACMG Guidelines, 2015. Collection method: clinical testing. Allele origin: germline. Affected: yes. Observed: 5 variant alleles.

Labcorp Genetics (formerly Invitae), Labcorp
Classification: Pathogenic. Last evaluated: 2024-04-13. Review status: criteria provided, single submitter. Criteria: Invitae Variant Classification Sherloc (09022015). Collection method: clinical testing. Allele origin: germline.
Comment: This sequence change affects a donor splice site in intron 12 of the ATF6 gene. RNA analysis indicates that disruption of this splice site induces altered splicing and may result in an absent or disrupted protein product. This variant is present in population databases (rs797045172, gnomAD 0.0009%). Disruption of this splice site has been observed in individual(s) with clinical features of achromatopsia (PMID: 26070061, 31237654). In at least one individual the data is consistent with being in trans (on the opposite chromosome) from a pathogenic variant. ClinVar contains an entry for this variant (Variation ID: 209099). Studies have shown that disruption of this splice site results in skipping of exon 12 or inclusion of 83 bp of intron 11 and introduces a premature termination codon (PMID: 26070061). The resulting mRNA is expected to undergo nonsense-mediated decay. For these reasons, this variant has been classified as Pathogenic.

Molecular Genetics Laboratory, Institute for Ophthalmic Research
Classification: Pathogenic for ACHROMATOPSIA 7. Last evaluated: 2015-06-17. Review status: criteria provided, single submitter. Criteria: Kohl et al. (Nat Genet. 2015). Collection method: research, in vivo. Allele origin: germline. Inheritance: Autosomal recessive inheritance. Affected: yes. Observed: 5 variant alleles, 1 homozygote. Clinical features observed: Achromatopsia.

OMIM
Classification: Pathogenic for ACHROMATOPSIA 7. Last evaluated: 2015-07-01. Review status: no assertion criteria provided. Collection method: literature only. Allele origin: germline. Not counted in ClinVar's aggregate classification.

GeneReviews
No classification provided. Condition: Achromatopsia 7. Review status: no classification provided. Collection method: literature only. Allele origin: germline. Not counted in ClinVar's aggregate classification.

Literature cited by the submitters: PubMed 26070061 (cited by Labcorp Genetics (formerly Invitae), Labcorp); PubMed 31237654 (cited by Labcorp Genetics (formerly Invitae), Labcorp); PubMed 26029869 (cited by OMIM).